The following is an entry in ClinVar:

NM_001205293.3(CACNA1E):c.3574G>A (p.Val1192Met)

Gene: CACNA1E (calcium voltage-gated channel subunit alpha1 E; plus strand). Cytogenetic location: 1q25.3.
Variant type: single nucleotide variant.
Coding change: c.3574G>A on transcript NM_001205293.3 (MANE Select); coding-DNA position 3574, G replaced by A.
Protein change: p.Val1192Met; replaces valine 1192 with methionine.
Molecular consequence: missense variant.
Genome position (GRCh38, 1-based): chr1:181,738,388, G>A. VCF-style: chr1-181738388-G-A. GRCh37 (hg19) VCF-style: chr1-181707524-G-A.
Other names: c.3574G>A, p.Val1192Met (NM_000721.4); c.3517G>A, p.Val1173Met (NM_001205294.2); short protein forms V1173M, V1192M.
Identifiers: ClinVar variation 3633676 (VCV003633676.2).
Genomic context (GRCh38, chr1:181,738,388, plus strand): 5'-CACACATGGTCATTTCCTTCCACCATATGTGTCTTTCAGGTCCTGAGGTATTTTGACTAT[G>A]TGTTCACGGGCGTGTTCACCTTTGAGATGGTTATAAAGGTAAAAACTTCTAGAGAAAACC-3'
Protein context (NP_001192222.1, residues 1182-1202): RNKVLRYFDY[Val1192Met]FTGVFTFEMV

ClinVar aggregate classification (germline): Uncertain significance (1 of 4 stars; one submission).

gnomAD v4.1: 1 of 1,613,882 alleles (0.000062%); highest among the groups gnomAD compares: Non-Finnish European, 0.000085%; no homozygotes.

Submission:

Labcorp Genetics (formerly Invitae), Labcorp
Classification: Uncertain significance. Last evaluated: 2024-06-18. Review status: criteria provided, single submitter. Criteria: Invitae Variant Classification Sherloc (09022015). Collection method: clinical testing. Allele origin: germline.
Comment: This sequence change replaces valine, which is neutral and non-polar, with methionine, which is neutral and non-polar, at codon 1192 of the CACNA1E protein (p.Val1192Met). This variant is not present in population databases (gnomAD no frequency). This variant has not been reported in the literature in individuals affected with CACNA1E-related conditions. Advanced modeling of protein sequence and biophysical properties (such as structural, functional, and spatial information, amino acid conservation, physicochemical variation, residue mobility, and thermodynamic stability) has been performed at Invitae for this missense variant, however the output from this modeling did not meet the statistical confidence thresholds required to predict the impact of this variant on CACNA1E protein function. In summary, the available evidence is currently insufficient to determine the role of this variant in disease. Therefore, it has been classified as a Variant of Uncertain Significance.